The following is an entry in ClinVar:

NM_017757.3(ZNF407):c.2895A>G (p.Ser965=)

Genes: ZNF407 (zinc finger protein 407; plus strand), LOC126862798 (MED14-independent group 3 enhancer GRCh37_chr18:72345358-72346557; plus strand). Cytogenetic location: 18q22.3.
Variant type: single nucleotide variant.
Coding change: c.2895A>G on transcript NM_017757.3 (MANE Select); coding-DNA position 2895, A replaced by G.
Protein change: p.Ser965=; no amino-acid change (serine 965 retained).
Molecular consequence: synonymous variant.
Genome position (GRCh38, 1-based): chr18:74,633,914, A>G. VCF-style: chr18-74633914-A-G. GRCh37 (hg19) VCF-style: chr18-72345870-A-G.
Other names: c.2895A>G, p.Ser965= (NM_001146189.1, NM_001146190.1, NM_001384475.1).
Identifiers: ClinVar variation 3898649 (VCV003898649.7).

ClinVar aggregate classification (germline): Likely benign (1 of 4 stars; one submission).

Submission:

CeGaT Center for Human Genetics Tuebingen
Classification: Likely benign. Last evaluated: 2025-04-01. Review status: criteria provided, single submitter. Criteria: CeGaT Center For Human Genetics Tuebingen Variant Classification Criteria Version 2. Collection method: clinical testing. Allele origin: germline. Affected: yes. Observed: 1 variant allele.
Comment: ZNF407: PM2:Supporting, BP4, BP7